The following is an entry in ClinVar:

NM_001267550.2(TTN):c.96424G>A (p.Val32142Ile)

Genes: TTN-AS1 (TTN antisense RNA 1; plus strand), TTN (titin; minus strand), LOC126806421 (CDK7 strongly-dependent group 2 enhancer GRCh37_chr2:179407630-179408829; plus strand). Cytogenetic location: 2q31.2.
Variant type: single nucleotide variant.
Coding change: c.96424G>A on transcript NM_001267550.2 (MANE Select); coding-DNA position 96424, G replaced by A.
Protein change: p.Val32142Ile; replaces valine 32142 with isoleucine.
Molecular consequence: missense variant.
Genome position (GRCh38, 1-based): chr2:178,543,549, C>T on the plus strand (G>A on the coding strand, the complement: TTN is on the minus strand). VCF-style: chr2-178543549-C-T. GRCh37 (hg19) VCF-style: chr2-179408276-C-T.
Other names: c.91501G>A, p.Val30501Ile (NM_001256850.1); c.69229G>A, p.Val23077Ile (NM_003319.4); c.88720G>A, p.Val29574Ile (NM_133378.4); c.69604G>A, p.Val23202Ile (NM_133432.3); c.69805G>A, p.Val23269Ile (NM_133437.4); short protein forms V32142I, V30501I, V23202I, V23077I, V23269I, V29574I.
Identifiers: ClinVar variation 535132 (VCV000535132.11), dbSNP rs779663332, ClinGen allele CA1986754.
Genomic context (GRCh38, chr2:178,543,549, plus strand): 5'-TCTTGCTGCATTTGGTAGTTACTGTTTTGAATGCTCTCATAGCAGCTTCACGCTTCTCAA[C>T]GATGTAATTGTTGACTGGAGCTCCACCATCAATCGTGGGAATTTCCCAAGTTATAGTCAC-3'
Protein context (NP_001254479.2, residues 32132-32152): DGGAPVNNYI[Val32142Ile]EKREAAMRAF

ClinVar aggregate classification (germline): Uncertain significance. Review status: criteria provided, multiple submitters, no conflicts (2 of 4 stars). 6 submissions from 6 submitters: Uncertain significance (6). Last evaluated 2025-11-05.

Conditions:
Cardiovascular phenotype. Identifiers: MedGen CN230736.
Dilated cardiomyopathy 1G (CMD1G). Identifiers: Orphanet 154, MedGen C1858763, MONDO:0011400, OMIM 604145.
Autosomal recessive limb-girdle muscular dystrophy type 2J (LGMDR10). Also called: MUSCULAR DYSTROPHY, LIMB-GIRDLE, AUTOSOMAL RECESSIVE 10; Limb-girdle muscular dystrophy, type 2J. Identifiers: Orphanet 140922, MedGen C1837342, MONDO:0012127, OMIM 608807.
TTN-related disorder. Also called: TTN-related condition; TTN-related disease; TTN-related disorders.
Myopathy, myofibrillar, 9, with early respiratory failure (MFM9). Also called: Myopathy, distal, with early respiratory failure, autosomal dominant; EDSTROM MYOPATHY; Hereditary myopathy with early respiratory failure; MYOPATHY, PROXIMAL, WITH EARLY RESPIRATORY MUSCLE INVOLVEMENT. Identifiers: Orphanet 178464, Orphanet 34521, MedGen C1863599, MONDO:0011362, OMIM 603689.
Early-onset myopathy with fatal cardiomyopathy (CMYO5). Also called: CONGENITAL MYOPATHY 5 WITH CARDIOMYOPATHY; Salih Myopathy. Identifiers: Orphanet 289377, MedGen C2673677, MONDO:0012714, OMIM 611705. Disease mechanism: loss of function.
Hypertrophic cardiomyopathy 9. Also called: Familial hypertrophic cardiomyopathy 9. Identifiers: MedGen C1861065, MONDO:0013412, OMIM 613765.
Tibial muscular dystrophy (TMD). Also called: Udd Distal Myopathy – Tibial Muscular Dystrophy; Tibial muscular dystrophy, tardive; UDD MYOPATHY. Identifiers: Orphanet 609, MedGen C1838244, MONDO:0010870, OMIM 600334.
Cardiomyopathy (CMYO). Also called: Cardiomyopathies. Identifiers: Orphanet 167848, MedGen C0878544, MONDO:0004994, HP:0001638. Inheritance: Various modes of inheritance.

Allele frequency attached by ClinVar (database versions not stated): gnomAD 0.00005 and 0.00006; TOPMed 0.00005; gnomAD exomes 0.00008; ExAC 0.00011.
gnomAD v4.1: 146 of 1,611,964 alleles (0.0091%); highest among the groups gnomAD compares: Non-Finnish European, 0.0088%; no homozygotes.

Submissions (6):

PreventionGenetics, part of Exact Sciences
Classification: Uncertain significance for TTN-related condition. Last evaluated: 2025-11-05. Review status: criteria provided, single submitter. Criteria: ACMG Guidelines, 2015. Collection method: clinical testing. Allele origin: germline.
Comment: The TTN c.96424G>A variant is predicted to result in the amino acid substitution p.Val32142Ile. This variant has been reported in a case of sudden unexplained death (described as p.Val30501Ile, Santori et al. 2015. PubMed ID: 26272908). This variant is reported in 0.029% of alleles in individuals of European (Finnish) descent in gnomAD. Although we suspect that this variant may be benign, at this time, the clinical significance of this variant is uncertain due to the absence of conclusive functional and genetic evidence.

Revvity Omics, Revvity
Classification: Uncertain significance. Last evaluated: 2023-05-24. Review status: criteria provided, single submitter. Criteria: ACMG Guidelines, 2015. Collection method: clinical testing. Allele origin: germline.

Fulgent Genetics
Classification: Uncertain significance for Tibial muscular dystrophy; Myopathy, myofibrillar, 9, with early respiratory failure; Dilated cardiomyopathy 1G; Autosomal recessive limb-girdle muscular dystrophy type 2J; Early-onset myopathy with fatal cardiomyopathy; Hypertrophic cardiomyopathy 9. Last evaluated: 2021-08-09. Review status: criteria provided, single submitter. Criteria: ACMG Guidelines, 2015. Collection method: clinical testing. Allele origin: unknown.

Ambry Genetics
Classification: Uncertain significance for Cardiovascular phenotype. Last evaluated: 2020-02-21. Review status: criteria provided, single submitter. Criteria: Ambry Variant Classification Scheme 2023. Collection method: clinical testing. Allele origin: germline.
Comment: The p.V23077I variant (also known as c.69229G>A), located in coding exon 174 of the TTN gene, results from a G to A substitution at nucleotide position 69229. The valine at codon 23077 is replaced by isoleucine, an amino acid with highly similar properties. This amino acid position is poorly conserved in available vertebrate species. In addition, this alteration is predicted to be tolerated by in silico analysis. Since supporting evidence is limited at this time, the clinical significance of this alteration remains unclear.

Labcorp Genetics (formerly Invitae), Labcorp
Classification: Uncertain significance for Dilated cardiomyopathy 1G; Autosomal recessive limb-girdle muscular dystrophy type 2J. Last evaluated: 2017-11-17. Review status: criteria provided, single submitter. Criteria: Invitae Variant Classification Sherloc (09022015). Collection method: clinical testing. Allele origin: germline.

CHEO Genetics Diagnostic Laboratory, Children's Hospital of Eastern Ontario
Classification: Uncertain significance for Cardiomyopathy. Last evaluated: 2017-03-22. Review status: criteria provided, single submitter. Criteria: ACMG Guidelines, 2015. Collection method: clinical testing. Allele origin: germline. Study: Canadian Open Genetics Repository.

Literature cited by the submitters: PubMed 26272908 (cited by Ambry Genetics).